The following is an entry in ClinVar:

NM_007289.4(MME):c.2141C>T (p.Pro714Leu)

Gene: MME (membrane metalloendopeptidase; plus strand). Cytogenetic location: 3q25.2.
Variant type: single nucleotide variant.
Coding change: c.2141C>T on transcript NM_007289.4 (MANE Select); coding-DNA position 2141, C replaced by T.
Protein change: p.Pro714Leu; replaces proline 714 with leucine.
Molecular consequence: missense variant.
Genome position (GRCh38, 1-based): chr3:155,172,600, C>T. VCF-style: chr3-155172600-C-T. GRCh37 (hg19) VCF-style: chr3-154890389-C-T.
Other names: p.Pro714Leu; c.2141C>T, p.Pro714Leu (NM_000902.5, NM_001354642.2, NM_001354643.1 and 2 more transcripts); c.2141C>T (NM_007289.2, NM_007289.3); short protein forms P714L.
Identifiers: ClinVar variation 1525554 (VCV001525554.9), dbSNP rs201412057, ClinGen allele CA86316145.

ClinVar aggregate classification (germline): Uncertain significance. Review status: criteria provided, multiple submitters, no conflicts (2 of 4 stars). 4 submissions from 4 submitters: Uncertain significance (4). Last evaluated 2026-05-27.

Conditions:
Inborn genetic diseases. Identifiers: MedGen C0950123, MeSH D030342.

Allele frequency attached by ClinVar (database versions not stated): gnomAD exomes 0.00001; gnomAD 0.00001; TOPMed 0.00002.
gnomAD v4.1: 11 of 1,611,820 alleles (0.00068%); highest among the groups gnomAD compares: Admixed American, 0.0017%; no homozygotes.

Submissions (4):

GeneDx
Classification: Uncertain significance. Last evaluated: 2026-05-27. Review status: criteria provided, single submitter. Criteria: GeneDx Variant Classification Process June 2021. Collection method: clinical testing. Allele origin: germline.
Comment: Not observed at significant frequency in large population cohorts (gnomAD); In silico analysis supports that this missense variant has a deleterious effect on protein structure/function; In silico analysis is inconclusive as to whether the variant alters gene splicing. In the absence of RNA/functional studies, the actual effect of this sequence change is unknown.; Has not been previously published as pathogenic or benign to our knowledge

Ambry Genetics
Classification: Uncertain significance for Inborn genetic diseases. Last evaluated: 2025-11-05. Review status: criteria provided, single submitter. Criteria: Ambry Variant Classification Scheme 2023. Collection method: clinical testing. Allele origin: germline.

Labcorp Genetics (formerly Invitae), Labcorp
Classification: Uncertain significance. Last evaluated: 2025-03-13. Review status: criteria provided, single submitter. Criteria: Invitae Variant Classification Sherloc (09022015). Collection method: clinical testing. Allele origin: germline.
Comment: This sequence change replaces proline, which is neutral and non-polar, with leucine, which is neutral and non-polar, at codon 714 of the MME protein (p.Pro714Leu). This variant is present in population databases (rs201412057, gnomAD 0.003%). This variant has not been reported in the literature in individuals affected with MME-related conditions. ClinVar contains an entry for this variant (Variation ID: 1525554). Invitae Evidence Modeling of protein sequence and biophysical properties (such as structural, functional, and spatial information, amino acid conservation, physicochemical variation, residue mobility, and thermodynamic stability) indicates that this missense variant is not expected to disrupt MME protein function with a negative predictive value of 80%. Algorithms developed to predict the effect of sequence changes on RNA splicing suggest that this variant may disrupt the consensus splice site. In summary, the available evidence is currently insufficient to determine the role of this variant in disease. Therefore, it has been classified as a Variant of Uncertain Significance.

Mayo Clinic Laboratories, Mayo Clinic
Classification: Uncertain significance. Last evaluated: 2023-11-20. Review status: criteria provided, single submitter. Criteria: ACMG Guidelines, 2015. Collection method: clinical testing. Allele origin: germline. Observed: 1 variant allele.
Comment: PP3